The following is an entry in ClinVar:

NM_001330260.2(SCN8A):c.4214C>A (p.Ala1405Asp)

Gene: SCN8A (sodium voltage-gated channel alpha subunit 8; plus strand). Cytogenetic location: 12q13.13.
Variant type: single nucleotide variant.
Coding change: c.4214C>A on transcript NM_001330260.2 (MANE Select); coding-DNA position 4214, C replaced by A.
Protein change: p.Ala1405Asp; replaces alanine 1405 with aspartic acid.
Molecular consequence: missense variant.
Genome position (GRCh38, 1-based): chr12:51,786,813, C>A. VCF-style: chr12-51786813-C-A. GRCh37 (hg19) VCF-style: chr12-52180597-C-A.
Other names: c.4091C>A, p.Ala1364Asp (NM_001177984.3, NM_001369788.1); c.4214C>A, p.Ala1405Asp (NM_014191.4); short protein forms A1364D, A1405D.
Identifiers: ClinVar variation 4528278 (VCV004528278.1).

ClinVar aggregate classification (germline): Likely pathogenic (1 of 4 stars; one submission).

Submission:

GeneDx
Classification: Likely pathogenic. Last evaluated: 2025-05-07. Review status: criteria provided, single submitter. Criteria: GeneDx Variant Classification Process June 2021. Collection method: clinical testing. Allele origin: germline. Affected: yes.
Comment: Not observed at significant frequency in large population cohorts (gnomAD); In silico analysis supports that this missense variant has a deleterious effect on protein structure/function; This variant is associated with the following publications: (PMID: 28084268, 32090326)